The following is an entry in ClinVar:

ClinVar aggregate classification (germline): Uncertain significance (1 of 4 stars; one submission).

Conditions:
Hereditary cancer-predisposing syndrome. Also called: Tumor predisposition; Neoplastic Syndromes, Hereditary; Hereditary Cancer Syndrome; Hereditary neoplastic syndrome. Identifiers: Orphanet 140162, MedGen C0027672, MeSH D009386, MONDO:0015356.

Submission:

Ambry Genetics
Classification: Uncertain significance for Hereditary cancer-predisposing syndrome. Last evaluated: 2024-10-19. Review status: criteria provided, single submitter. Criteria: Ambry Variant Classification Scheme 2023. Collection method: clinical testing. Allele origin: germline.
Comment: The p.K371N variant (also known as c.1113G>T), located in coding exon 8 of the BMPR1A gene, results from a G to T substitution at nucleotide position 1113. The lysine at codon 371 is replaced by asparagine, an amino acid with similar properties. This amino acid position is conserved. In addition, the in silico prediction for this alteration is inconclusive. Based on the available evidence, the clinical significance of this variant remains unclear.

NM_004329.3(BMPR1A):c.1113G>T (p.Lys371Asn)

Gene: BMPR1A (bone morphogenetic protein receptor type 1A; plus strand). Cytogenetic location: 10q23.2.
Variant type: single nucleotide variant.
Coding change: c.1113G>T on transcript NM_004329.3 (MANE Select); coding-DNA position 1113, G replaced by T.
Protein change: p.Lys371Asn; replaces lysine 371 with asparagine.
Molecular consequence: missense variant. On other transcripts: non-coding transcript variant (3).
Genome position (GRCh38, 1-based): chr10:86,919,416, G>T. VCF-style: chr10-86919416-G-T. GRCh37 (hg19) VCF-style: chr10-88679173-G-T.
Other names: c.1188G>T, p.Lys396Asn (NM_001406559.1); c.1161G>T, p.Lys387Asn (NM_001406560.1); c.1113G>T, p.Lys371Asn (NM_001406561.1, NM_001406562.1, NM_001406563.1 and 19 more transcripts); c.1107G>T, p.Lys369Asn (NM_001406583.1); c.1029G>T, p.Lys343Asn (NM_001406584.1, NM_001406585.1, NM_001406586.1 and 2 more transcripts); c.771G>T, p.Lys257Asn (NM_001406589.1); short protein forms K396N, K257N, K369N, K387N, K343N, K371N.
Identifiers: ClinVar variation 3481235 (VCV003481235.1).